The following is an entry in ClinVar:

ClinVar aggregate classification (germline): Likely pathogenic (1 of 4 stars; one submission).

Conditions:
Dilated cardiomyopathy 3B (CMD3B). Also called: CMD3B: DMD-Related Dilated Cardiomyopathy; CARDIOMYOPATHY, DILATED, X-LINKED; DMD-Associated Dilated Cardiomyopathy. Identifiers: Orphanet 154, MedGen C3668940, MONDO:0010542, OMIM 302045.
Becker muscular dystrophy (BMD). Also called: Becker Muscular Dystrophy (BMD); MUSCULAR DYSTROPHY, PSEUDOHYPERTROPHIC PROGRESSIVE, BECKER TYPE. Identifiers: Orphanet 98895, MedGen C0917713, MONDO:0010311, OMIM 300376.
Duchenne muscular dystrophy (DMD). Also called: Duchenne Muscular Dystrophy (DMD); MUSCULAR DYSTROPHY, PSEUDOHYPERTROPHIC PROGRESSIVE, DUCHENNE TYPE. Identifiers: Orphanet 98896, MedGen C0013264, MONDO:0010679, OMIM 310200.

Submission:

Juno Genomics, Hangzhou Juno Genomics, Inc
Classification: Likely pathogenic for Becker muscular dystrophy; Dilated cardiomyopathy 3B; Duchenne muscular dystrophy. Review status: criteria provided, single submitter. Criteria: ACMG Guidelines, 2015. Collection method: clinical testing. Allele origin: germline. Affected: yes.
Comment: Absent from controls (or at extremely low frequency if recessive) in Genome Aggregation Database, Exome Sequencing Project, 1000 Genomes Project, or Exome Aggregation Consortium.;Protein length changes due to in-frame deletions/insertions in a non-repeat region or stop-loss variants.;Located in a mutational hot spot and/or critical and well-established functional domain (e.g. active site of an enzyme) without benign variation.;Patient's phenotype or family history is highly specific for a disease with a single genetic etiology.

NM_004006.3(DMD):c.9336_9344del (p.Arg3113_Leu3115del)

Gene: DMD (dystrophin; minus strand). Cytogenetic location: Xp21.2.
Variant type: Deletion.
Coding change: c.9336_9344del on transcript NM_004006.3 (MANE Select); coding-DNA positions 9336 to 9344, 9 bases deleted (CCGAAGACT; older notation c.9336_9344delCCGAAGACT).
Protein change: p.Arg3113_Leu3115del.
Genome position (GRCh38, 1-based): chrX:31,223,064-31,223,072, AGTCTTCGG deleted on the plus strand (CCGAAGACT on the coding strand, the reverse complement: DMD is on the minus strand); deleting any 9 consecutive bases within chrX:31,223,064-31,223,075 gives the same sequence; the c. name uses the placement nearest the transcript's 3' end. VCF-style (leftmost placement, unchanged base first): chrX-31223063-CAGTCTTCGG-C. GRCh37 (hg19) VCF-style: chrX-31241180-CAGTCTTCGG-C.
Other names: c.9312_9320del, p.Arg3105_Leu3107del (NM_000109.4); c.9324_9332del, p.Arg3109_Leu3111del (NM_004009.3); c.8967_8975del, p.Arg2990_Leu2992del (NM_004010.3); c.5313_5321del, p.Arg1772_Leu1774del (NM_004011.4); c.5304_5312del, p.Arg1769_Leu1771del (NM_004012.4); c.1956_1964del, p.Arg653_Leu655del (NM_004013.3, NM_004020.4, NM_004021.3 and 2 more transcripts); c.1149_1157del, p.Arg384_Leu386del (NM_004014.3); c.132_140del, p.Arg45_Leu47del (NM_004015.3, NM_004016.3, NM_004017.3 and 2 more transcripts).
Identifiers: ClinVar variation 3764689 (VCV003764689.2).